The following is an entry in ClinVar:

NM_000173.7(GP1BA):c.358G>A (p.Val120Ile)

Gene: GP1BA (glycoprotein Ib platelet subunit alpha; plus strand). Cytogenetic location: 17p13.2.
Variant type: single nucleotide variant.
Coding change: c.358G>A on transcript NM_000173.7 (MANE Select); coding-DNA position 358, G replaced by A.
Protein change: p.Val120Ile; replaces valine 120 with isoleucine.
Molecular consequence: missense variant.
Genome position (GRCh38, 1-based): chr17:4,932,962, G>A. VCF-style: chr17-4932962-G-A. GRCh37 (hg19) VCF-style: chr17-4836257-G-A.
Other names: p.Val120Ile; short protein forms V120I.
Identifiers: ClinVar variation 4542111 (VCV004542111.1).

ClinVar aggregate classification (germline): Uncertain significance (1 of 4 stars; one submission).

Submission:

Mayo Clinic Laboratories, Mayo Clinic
Classification: Uncertain significance. Last evaluated: 2025-05-12. Review status: criteria provided, single submitter. Criteria: ACMG Guidelines, 2015. Collection method: clinical testing. Allele origin: germline. Observed: 1 variant allele.
Comment: BP4_moderate, PM2_supporting

Literature cited by the submitters: PubMed 32757236.